The following is an entry in ClinVar:

ClinVar aggregate classification (germline): Uncertain significance (1 of 4 stars; one submission).

gnomAD v4.1: 1 of 1,614,120 alleles (0.000062%); highest among the groups gnomAD compares: Non-Finnish European, 0.000085%; no homozygotes.

Submission:

GeneDx
Classification: Uncertain significance. Last evaluated: 2025-07-15. Review status: criteria provided, single submitter. Criteria: GeneDx Variant Classification Process June 2021. Collection method: clinical testing. Allele origin: germline. Affected: yes.
Comment: Nonsense variant predicted to result in protein truncation or nonsense mediated decay in a gene or region of a gene for which loss of function is not a well-established mechanism of disease; Not observed at significant frequency in large population cohorts (gnomAD); Has not been previously published as pathogenic or benign to our knowledge

NM_017852.5(NLRP2):c.1929C>A (p.Cys643Ter)

Gene: NLRP2 (NLR family pyrin domain containing 2; plus strand). Cytogenetic location: 19q13.42.
Variant type: single nucleotide variant.
Coding change: c.1929C>A on transcript NM_017852.5 (MANE Select); coding-DNA position 1929, C replaced by A.
Protein change: p.Cys643Ter; replaces cysteine 643 with a stop codon.
Molecular consequence: nonsense. On other transcripts: non-coding transcript variant (1).
Genome position (GRCh38, 1-based): chr19:54,983,627, C>A. VCF-style: chr19-54983627-C-A. GRCh37 (hg19) VCF-style: chr19-55494995-C-A.
Other names: c.1920C>A, p.Cys640Ter (NM_001348003.2); c.1929C>A, p.Cys643Ter (NM_001174081.3); c.1863C>A, p.Cys621Ter (NM_001174082.3); c.1860C>A, p.Cys620Ter (NM_001174083.2); short protein forms C620*, C621*, C640*, C643*.
Identifiers: ClinVar variation 4686876 (VCV004686876.1).